The following is an entry in ClinVar:

NM_001498.4(GCLC):c.892G>A (p.Gly298Arg)

Gene: GCLC (glutamate-cysteine ligase catalytic subunit; minus strand). Cytogenetic location: 6p12.1.
Variant type: single nucleotide variant.
Coding change: c.892G>A on transcript NM_001498.4 (MANE Select); coding-DNA position 892, G replaced by A.
Protein change: p.Gly298Arg; replaces glycine 298 with arginine.
Molecular consequence: missense variant.
Genome position (GRCh38, 1-based): chr6:53,508,648, C>T on the plus strand (G>A on the coding strand, the complement: GCLC is on the minus strand). VCF-style: chr6-53508648-C-T. GRCh37 (hg19) VCF-style: chr6-53373446-C-T.
Other names: c.778G>A, p.Gly260Arg (NM_001197115.2); short protein forms G260R, G298R.
Identifiers: ClinVar variation 2067484 (VCV002067484.4), dbSNP rs1294926836, ClinGen allele CA364473508.

ClinVar aggregate classification (germline): Uncertain significance (1 of 4 stars; one submission).

Allele frequency attached by ClinVar (database versions not stated): TOPMed below 0.00001; gnomAD exomes below 0.00001.
gnomAD v4.1: 2 of 1,613,860 alleles (0.00012%); highest among the groups gnomAD compares: Admixed American, 0.0033%; no homozygotes.

Submission:

Labcorp Genetics (formerly Invitae), Labcorp
Classification: Uncertain significance. Last evaluated: 2022-08-10. Review status: criteria provided, single submitter. Criteria: Invitae Variant Classification Sherloc (09022015). Collection method: clinical testing. Allele origin: germline.
Comment: In summary, the available evidence is currently insufficient to determine the role of this variant in disease. Therefore, it has been classified as a Variant of Uncertain Significance. Algorithms developed to predict the effect of missense changes on protein structure and function are either unavailable or do not agree on the potential impact of this missense change (SIFT: "Deleterious"; PolyPhen-2: "Benign"; Align-GVGD: "Class C0"). This variant has not been reported in the literature in individuals affected with GCLC-related conditions. This variant is present in population databases (no rsID available, gnomAD 0.006%). This sequence change replaces glycine, which is neutral and non-polar, with arginine, which is basic and polar, at codon 298 of the GCLC protein (p.Gly298Arg).